The following is an entry in ClinVar:

ClinVar aggregate classification (germline): Likely benign. Review status: criteria provided, multiple submitters, no conflicts (2 of 4 stars). 5 submissions from 5 submitters: Likely benign (5). Last evaluated 2026-07-01.

Allele frequency attached by ClinVar (database versions not stated): 1000 Genomes Project 0.00060; 1000 Genomes Project 30x 0.00078; TOPMed 0.00080; ExAC 0.00082; gnomAD exomes 0.00082; gnomAD 0.00089 and 0.00090; ESP Exome Variant Server 0.00139.

Submissions (5):

CeGaT Center for Human Genetics Tuebingen
Classification: Likely benign. Last evaluated: 2026-07-01. Review status: criteria provided, single submitter. Criteria: CeGaT Center For Human Genetics Tuebingen Variant Classification Criteria Version 2. Collection method: clinical testing. Allele origin: germline. Affected: yes. Observed: 13 variant alleles.
Comment: TERF2IP: BP4, BP7

Labcorp Genetics (formerly Invitae), Labcorp
Classification: Likely benign. Last evaluated: 2026-01-17. Review status: criteria provided, single submitter. Criteria: Invitae Variant Classification Sherloc (09022015). Collection method: clinical testing. Allele origin: germline.

Center for Genomic Medicine, Rigshospitalet, Copenhagen University Hospital
Classification: Likely benign. Last evaluated: 2025-03-04. Review status: criteria provided, single submitter. Criteria: ACMG Guidelines, 2015. Collection method: clinical testing. Allele origin: germline.

Blueprint Genetics
Classification: Likely benign. Last evaluated: 2024-11-22. Review status: criteria provided, single submitter. Criteria: ACMG Guidelines, 2015. Collection method: clinical testing. Allele origin: germline.

Ambry Genetics
Classification: Likely benign. Last evaluated: 2022-02-12. Review status: criteria provided, single submitter. Criteria: Ambry Variant Classification Scheme 2023. Collection method: clinical testing. Allele origin: germline.

NM_018975.4(TERF2IP):c.711G>A (p.Glu237=)

Gene: TERF2IP (TERF2 interacting protein; plus strand). Cytogenetic location: 16q23.1.
Variant type: single nucleotide variant.
Coding change: c.711G>A on transcript NM_018975.4 (MANE Select); coding-DNA position 711, G replaced by A.
Protein change: p.Glu237=; no amino-acid change (glutamic acid 237 retained).
Molecular consequence: synonymous variant. On other transcripts: non-coding transcript variant (1).
Genome position (GRCh38, 1-based): chr16:75,654,313, G>A. VCF-style: chr16-75654313-G-A. GRCh37 (hg19) VCF-style: chr16-75688211-G-A.
Other names: c.711G>A (NM_018975.3).
Identifiers: ClinVar variation 1697585 (VCV001697585.39), dbSNP rs72563120, ClinGen allele CA8178065.